The following is an entry in ClinVar:

NM_017613.4(DONSON):c.305C>T (p.Pro102Leu)

Gene: DONSON (DNA replication fork stabilization factor DONSON; minus strand). Cytogenetic location: 21q22.11.
Variant type: single nucleotide variant.
Coding change: c.305C>T on transcript NM_017613.4 (MANE Select); coding-DNA position 305, C replaced by T.
Protein change: p.Pro102Leu; replaces proline 102 with leucine.
Molecular consequence: missense variant.
Genome position (GRCh38, 1-based): chr21:33,588,337, G>A on the plus strand (C>T on the coding strand, the complement: DONSON is on the minus strand). VCF-style: chr21-33588337-G-A. GRCh37 (hg19) VCF-style: chr21-34960643-G-A.
Other names: short protein forms P102L.
Identifiers: ClinVar variation 1990491 (VCV001990491.4), dbSNP rs2086605574, ClinGen allele CA410143932.

ClinVar aggregate classification (germline): Uncertain significance (1 of 4 stars; one submission).

gnomAD v4.1: 2 of 1,293,328 alleles (0.00015%); highest among the groups gnomAD compares: South Asian, 0.0028%; no homozygotes.

Submission:

Labcorp Genetics (formerly Invitae), Labcorp
Classification: Uncertain significance. Last evaluated: 2025-03-31. Review status: criteria provided, single submitter. Criteria: Invitae Variant Classification Sherloc (09022015). Collection method: clinical testing. Allele origin: germline.
Comment: This sequence change replaces proline, which is neutral and non-polar, with leucine, which is neutral and non-polar, at codon 102 of the DONSON protein (p.Pro102Leu). This variant is not present in population databases (gnomAD no frequency). This variant has not been reported in the literature in individuals affected with DONSON-related conditions. ClinVar contains an entry for this variant (Variation ID: 1990491). Invitae Evidence Modeling of protein sequence and biophysical properties (such as structural, functional, and spatial information, amino acid conservation, physicochemical variation, residue mobility, and thermodynamic stability) indicates that this missense variant is not expected to disrupt DONSON protein function with a negative predictive value of 80%. In summary, the available evidence is currently insufficient to determine the role of this variant in disease. Therefore, it has been classified as a Variant of Uncertain Significance.